The following is an entry in ClinVar:

NM_001374736.1(DST):c.21456G>A (p.Ala7152=)

Gene: DST (dystonin; minus strand). Cytogenetic location: 6p12.1.
Variant type: single nucleotide variant.
Coding change: c.21456G>A on transcript NM_001374736.1 (MANE Select); coding-DNA position 21456, G replaced by A.
Protein change: p.Ala7152=; no amino-acid change (alanine 7152 retained).
Molecular consequence: synonymous variant.
Genome position (GRCh38, 1-based): chr6:56,482,125, C>T on the plus strand (G>A on the coding strand, the complement: DST is on the minus strand). VCF-style: chr6-56482125-C-T. GRCh37 (hg19) VCF-style: chr6-56346923-C-T.
Other names: c.15099G>A, p.Ala5033= (NM_001144769.5); c.14685G>A, p.Ala4895= (NM_001144770.2); c.21456G>A, p.Ala7152= (NM_001374722.1); c.20496G>A, p.Ala6832= (NM_001374729.1); c.14238G>A, p.Ala4746= (NM_001374730.1); c.21483G>A, p.Ala7161= (NM_001374734.1); c.14565G>A, p.Ala4855= (NM_001386100.1, NM_183380.4); c.13587G>A, p.Ala4529= (NM_015548.5); and 1 more.
Identifiers: ClinVar variation 1144830 (VCV001144830.15), dbSNP rs780580029, ClinGen allele CA3866468.
Genomic context (GRCh38, chr6:56,482,125, plus strand): 5'-GAGAGTCCGGAGAGCATCCTCATCATCTGGGAGGACACCATGGAAACGCAGGGTTTGCTC[C>T]GCCTCAGCCAGCCACTCCAAGAGGGCATGTACCACCGAGTGGAATTCCTCTGCCTAAGAG-3'
Protein context (NP_001361665.1, residues 7142-7162): VHALLEWLAE[Ala7152=]EQTLRFHGVL

ClinVar aggregate classification (germline): Likely benign. Review status: criteria provided, multiple submitters, no conflicts (2 of 4 stars). 3 submissions from 3 submitters: Likely benign (3). Last evaluated 2026-03-04.

Conditions:
Hereditary sensory and autonomic neuropathy type 6. Also called: HSAN VI; Neuropathy, hereditary sensory and autonomic, type VI. Identifiers: Orphanet 314381, MedGen C3539003, MONDO:0013839, OMIM 614653.
Epidermolysis bullosa simplex 3, localized or generalized intermediate, with BP230 deficiency (EBS3). Also called: Epidermolysis bullosa simplex due to BP230 deficiency; Epidermolysis bullosa simplex, autosomal recessive 2. Identifiers: Orphanet 412181, MedGen C3809470, MONDO:0014180, OMIM 615425.
DST-related disorder. Also called: DST-related condition; DST-related disorders.

Allele frequency attached by ClinVar (database versions not stated): gnomAD 0.00001; ExAC 0.00002; gnomAD exomes 0.00003 and 0.00006; TOPMed 0.00003.
gnomAD v4.1: 88 of 1,613,332 alleles (0.0055%); highest among the groups gnomAD compares: Non-Finnish European, 0.0064%; no homozygotes.

Submissions (3):

PreventionGenetics, part of Exact Sciences
Classification: Likely benign for DST-related condition. Last evaluated: 2026-03-04. Review status: criteria provided, single submitter. Criteria: ACMG Guidelines, 2015. Collection method: clinical testing. Allele origin: germline.
Comment: This variant is classified as likely benign based on ACMG/AMP sequence variant interpretation guidelines (Richards et al. 2015 PMID: 25741868, with internal and published modifications).

CeGaT Center for Human Genetics Tuebingen
Classification: Likely benign. Last evaluated: 2025-12-01. Review status: criteria provided, single submitter. Criteria: CeGaT Center For Human Genetics Tuebingen Variant Classification Criteria Version 2. Collection method: clinical testing. Allele origin: germline. Affected: yes. Observed: 1 variant allele.
Comment: DST: BP4, BP7

Labcorp Genetics (formerly Invitae), Labcorp
Classification: Likely benign for Epidermolysis bullosa simplex 3, localized or generalized intermediate, with BP230 deficiency; Hereditary sensory and autonomic neuropathy type 6. Last evaluated: 2024-12-05. Review status: criteria provided, single submitter. Criteria: Invitae Variant Classification Sherloc (09022015). Collection method: clinical testing. Allele origin: germline.